The following is an entry in ClinVar:

NM_000218.3(KCNQ1):c.1394-15921C>G

Genes: KCNQ1 (potassium voltage-gated channel subfamily Q member 1; plus strand), KCNQ1OT1 (KCNQ1 opposite strand/antisense transcript 1; minus strand). Cytogenetic location: 11p15.5.
Variant type: single nucleotide variant.
Coding change: c.1394-15921C>G on transcript NM_000218.3 (MANE Select); 15921 bases into the intron before coding-DNA position 1394, C replaced by G.
Molecular consequence: intron variant. On other transcripts: non-coding transcript variant (1).
Genome position (GRCh38, 1-based): chr11:2,646,040, C>G. VCF-style: chr11-2646040-C-G. GRCh37 (hg19) VCF-style: chr11-2667270-C-G.
Other names: c.1124-15921C>G (NM_001406837.1); c.1298-15921C>G (NM_001406836.1); c.854-15921C>G (NM_001406838.1); c.1013-15921C>G (NM_181798.2).
Identifiers: ClinVar variation 4986695 (VCV004986695.1).
Genomic context (GRCh38, chr11:2,646,040, plus strand): 5'-CAGGAGTCTGCTGTGGGAATGTGGACCACTAGGGGCTCACTTACTTACCTTTCTGCACAT[C>G]GAGGAGTCTCTTCATGATCCCAGCCAGTCCCATAGAAGCAGACTGCCTGACTCCCCTCTT-3'

ClinVar aggregate classification (germline): Likely benign (1 of 4 stars; one submission).

Conditions:
KCNQ1-related disorder. Also called: KCNQ1-related disorders; KCNQ1-related condition. Identifiers: MedGen CN239322.

gnomAD v4.1: 29 of 398,518 alleles (0.0073%); highest among the groups gnomAD compares: Middle Eastern, 0.062%; no homozygotes.

Submission:

PreventionGenetics, part of Exact Sciences
Classification: Likely benign for KCNQ1-related condition. Last evaluated: 2024-12-09. Review status: criteria provided, single submitter. Criteria: ACMG Guidelines, 2015. Collection method: clinical testing. Allele origin: germline.
Comment: This variant is classified as likely benign based on ACMG/AMP sequence variant interpretation guidelines (Richards et al. 2015 PMID: 25741868, with internal and published modifications).